The following is an entry in ClinVar:

ClinVar aggregate classification (germline): Pathogenic (1 of 4 stars; one submission).

Submission:

Quest Diagnostics Nichols Institute San Juan Capistrano
Classification: Pathogenic. Last evaluated: 2021-12-29. Review status: criteria provided, single submitter. Criteria: ACMG/ClinGen CNV Guidelines, 2019. Collection method: clinical testing. Allele origin: unknown.
Comment: This deletion involves a number of OMIM/RefSeq annotated genes, including EXT1 (OMIM 608177), and is expected to cause phenotypic and/or developmental abnormalities. The deleted segment is distal to the TRPS1 gene known to be responsible, due to haploinsufficiency, for trichorhinophalangeal syndrome, but includes EXT1, which can be deleted in patients with multiple exostosis, type 1 (OMIM 133700). Additional disorders are associated with genes within the deletion interval, however, they are either autosomal recessive conditions or caused by another genetic mechanism.

GRCh37/hg19 8q24.11-24.12(chr8:118645068-121684174)x1

Genes: CCN3 (cellular communication network factor 3; plus strand), COL14A1 (collagen type XIV alpha 1 chain; plus strand), COLEC10 (collectin subfamily member 10; plus strand), DEPTOR (DEP domain containing MTOR interacting protein; plus strand), DSCC1 (DNA replication and sister chromatid cohesion 1; minus strand) and 9 more. Cytogenetic location: 8q24.11-24.12.
Variant type: copy number loss.
Change: copy number 1 (one copy instead of two) of chr8:118,645,068-121,684,174 (3.04 Mb, GRCh37 coordinates, 1-based), cytogenetic band 8q24.11-24.12.
Identifiers: ClinVar variation 1807843 (VCV001807843.1).